The following is an entry in ClinVar:

NM_001374736.1(DST):c.17140G>A (p.Ala5714Thr)

Gene: DST (dystonin; minus strand). Cytogenetic location: 6p12.1.
Variant type: single nucleotide variant.
Coding change: c.17140G>A on transcript NM_001374736.1 (MANE Select); coding-DNA position 17140, G replaced by A.
Protein change: p.Ala5714Thr; replaces alanine 5714 with threonine.
Molecular consequence: missense variant.
Genome position (GRCh38, 1-based): chr6:56,530,102, C>T on the plus strand (G>A on the coding strand, the complement: DST is on the minus strand). VCF-style: chr6-56530102-C-T. GRCh37 (hg19) VCF-style: chr6-56394900-C-T.
Other names: c.10783G>A, p.Ala3595Thr (NM_001144769.5); c.10369G>A, p.Ala3457Thr (NM_001144770.2); c.17140G>A, p.Ala5714Thr (NM_001374722.1); c.16507G>A, p.Ala5503Thr (NM_001374729.1); c.10249G>A, p.Ala3417Thr (NM_001374730.1, NM_183380.4); c.17167G>A, p.Ala5723Thr (NM_001374734.1); c.9271G>A, p.Ala3091Thr (NM_015548.5); short protein forms A3091T, A5723T, A3595T, A3417T, A3457T, A5503T, A5714T.
Identifiers: ClinVar variation 965643 (VCV000965643.10), dbSNP rs1225545020, ClinGen allele CA364509417.
Genomic context (GRCh38, chr6:56,530,102, plus strand): 5'-TCTTTTCTATGGTTGTAAGCCACTCGTTCAGTGGTTCTAAGGTTTCATGAAATTGCTGTG[C>T]TACCACCGAGATACCTTCCAACTGACGATTCCTACAAATGTGCCAAAAGGTCATTTAGGG-3'
Protein context (NP_001361665.1, residues 5704-5724): NRQLEGISVV[Ala5714Thr]QQFHETLEPL

ClinVar aggregate classification (germline): Uncertain significance (1 of 4 stars; one submission).

Conditions:
Hereditary sensory and autonomic neuropathy type 6. Also called: Neuropathy, hereditary sensory and autonomic, type VI; HSAN VI. Identifiers: Orphanet 314381, MedGen C3539003, MONDO:0013839, OMIM 614653.
Epidermolysis bullosa simplex 3, localized or generalized intermediate, with BP230 deficiency (EBS3). Also called: Epidermolysis bullosa simplex, autosomal recessive 2; Epidermolysis bullosa simplex due to BP230 deficiency. Identifiers: Orphanet 412181, MedGen C3809470, MONDO:0014180, OMIM 615425.

Allele frequency attached by ClinVar (database versions not stated): gnomAD exomes below 0.00001.
gnomAD v4.1: 3 of 1,608,448 alleles (0.00019%); highest among the groups gnomAD compares: Non-Finnish European, 0.00025%; no homozygotes.

Submission:

Labcorp Genetics (formerly Invitae), Labcorp
Classification: Uncertain significance for Epidermolysis bullosa simplex 3, localized or generalized intermediate, with BP230 deficiency; Hereditary sensory and autonomic neuropathy type 6. Last evaluated: 2025-01-14. Review status: criteria provided, single submitter. Criteria: Invitae Variant Classification Sherloc (09022015). Collection method: clinical testing. Allele origin: germline.
Comment: The DST gene has multiple clinically relevant transcripts. This variant occurs in alternate transcript NM_015548.4, which corresponds to c.*85415G>A in NM_001723.5 in the primary transcript. This sequence change replaces alanine, which is neutral and non-polar, with threonine, which is neutral and polar, at codon 3091 of the DST protein (p.Ala3091Thr). The frequency data for this variant in the population databases is considered unreliable, as metrics indicate poor data quality at this position in the gnomAD database. This variant has not been reported in the literature in individuals affected with DST-related conditions. In summary, the available evidence is currently insufficient to determine the role of this variant in disease. Therefore, it has been classified as a Variant of Uncertain Significance.